The following is an entry in ClinVar:

NM_000156.6(GAMT):c.356dup (p.Asp119fs)

Gene: GAMT (guanidinoacetate N-methyltransferase; minus strand). Cytogenetic location: 19p13.3.
Variant type: Duplication.
Coding change: c.356dup on transcript NM_000156.6 (MANE Select); coding-DNA position 356, one base duplicated (A; older notation c.356dupA).
Protein change: p.Asp119fs; shifts the reading frame from aspartic acid 119.
Molecular consequence: frameshift variant.
Genome position (GRCh38, 1-based): chr19:1,399,559, T duplicated on the plus strand (A on the coding strand, the reverse complement: GAMT is on the minus strand). VCF-style (leftmost placement, unchanged base first): chr19-1399558-A-AT. GRCh37 (hg19) VCF-style: chr19-1399557-A-AT.
Other names: c.356dup, p.Asp119fs (NM_138924.3); c.356dupA (NM_000156.5); short protein forms D119fs.
Identifiers: ClinVar variation 1070918 (VCV001070918.12), dbSNP rs2144637533, ClinGen allele CA2499225405.

ClinVar aggregate classification (germline): Pathogenic/Likely pathogenic. Review status: criteria provided, multiple submitters, no conflicts (2 of 4 stars). 4 submissions from 4 submitters: Pathogenic (2); Likely pathogenic (2). Last evaluated 2024-03-24.

Conditions:
Deficiency of guanidinoacetate methyltransferase (CCDS2). Also called: GAMT DEFICIENCY; CEREBRAL CREATINE DEFICIENCY SYNDROME 2; Guanidinoacetate Methyltransferase (GAMT) Deficiency. Identifiers: Orphanet 382, MedGen C0574080, MONDO:0012999, OMIM 612736.
Cerebral creatine deficiency syndrome. Also called: Creatine deficiency syndromes. Identifiers: Orphanet 79172, MedGen C5244016, MONDO:0000456.

Allele frequency attached by ClinVar (database versions not stated): gnomAD exomes below 0.00001.

Submissions (4):

Fulgent Genetics
Classification: Likely pathogenic for Deficiency of guanidinoacetate methyltransferase. Last evaluated: 2024-03-24. Review status: criteria provided, single submitter. Criteria: ACMG Guidelines, 2015. Collection method: clinical testing. Allele origin: germline.

Victorian Clinical Genetics Services, Murdoch Childrens Research Institute
Classification: Pathogenic for Deficiency of guanidinoacetate methyltransferase. Last evaluated: 2023-07-17. Review status: criteria provided, single submitter. Criteria: ACMG Guidelines, 2015. Collection method: clinical testing. Allele origin: germline. Inheritance: Autosomal recessive inheritance.
Comment: Based on the classification scheme VCGS_Germline_v1.3.4, this variant is classified as Pathogenic. Following criteria are met: 0102 - Loss of function is a known mechanism of disease in this gene and is associated with cerebral creatine deficiency syndrome 2 (MIM#612736). (I) 0106 - This gene is associated with autosomal recessive disease. (I) 0201 - Variant is predicted to cause nonsense-mediated decay (NMD) and loss of protein (premature termination codon is located at least 54 nucleotides upstream of the final exon-exon junction). (SP) 0251 - This variant is heterozygous. (I) 0301 - Variant is absent from gnomAD (both v2 and v3). (SP) 0701 - Other NMD-predicted variants comparable to the one identified in this case have very strong previous evidence for pathogenicity. These variants have been reported many times as pathogenic (DECIPHER). (SP) 0803 - This variant has limited previous evidence of pathogenicity in an unrelated individual. This variant has been reported once as pathogenic (ClinVar). (SP) 0905 - No published segregation evidence has been identified for this variant. (I) 1007 - No published functional evidence has been identified for this variant. (I) Legend: (SP) - Supporting pathogenic, (I) - Information, (SB) - Supporting benign

Baylor Genetics
Classification: Likely pathogenic for Deficiency of guanidinoacetate methyltransferase. Last evaluated: 2023-06-13. Review status: criteria provided, single submitter. Criteria: ACMG Guidelines, 2015. Collection method: clinical testing. Allele origin: unknown.

Labcorp Genetics (formerly Invitae), Labcorp
Classification: Pathogenic for Cerebral creatine deficiency syndrome. Last evaluated: 2022-11-15. Review status: criteria provided, single submitter. Criteria: Invitae Variant Classification Sherloc (09022015). Collection method: clinical testing. Allele origin: germline.
Comment: This variant is not present in population databases (gnomAD no frequency). This sequence change creates a premature translational stop signal (p.Asp119Glufs*8) in the GAMT gene. It is expected to result in an absent or disrupted protein product. Loss-of-function variants in GAMT are known to be pathogenic (PMID: 15108290). This variant has not been reported in the literature in individuals affected with GAMT-related conditions. ClinVar contains an entry for this variant (Variation ID: 1070918). For these reasons, this variant has been classified as Pathogenic. Algorithms developed to predict the effect of sequence changes on RNA splicing suggest that this variant may disrupt the consensus splice site.

Literature cited by the submitters: PubMed 15108290 (cited by Labcorp Genetics (formerly Invitae), Labcorp).